The following is an entry in ClinVar:

NM_001430.5(EPAS1):c.2030C>T (p.Ser677Phe)

Gene: EPAS1 (endothelial PAS domain protein 1; plus strand). Cytogenetic location: 2p21.
Variant type: single nucleotide variant.
Coding change: c.2030C>T on transcript NM_001430.5 (MANE Select); coding-DNA position 2030, C replaced by T.
Protein change: p.Ser677Phe; replaces serine 677 with phenylalanine.
Molecular consequence: missense variant.
Genome position (GRCh38, 1-based): chr2:46,380,702, C>T. VCF-style: chr2-46380702-C-T. GRCh37 (hg19) VCF-style: chr2-46607841-C-T.
Other names: short protein forms S677F.
Identifiers: ClinVar variation 2565072 (VCV002565072.2), dbSNP rs1684869542, ClinGen allele CA346705377.

ClinVar aggregate classification (germline): Uncertain significance (1 of 4 stars; one submission).

Conditions:
Inborn genetic diseases. Identifiers: MedGen C0950123, MeSH D030342.

gnomAD v4.1: 1 of 1,612,404 alleles (0.000062%); highest among the groups gnomAD compares: Non-Finnish European, 0.000085%; no homozygotes.

Submission:

Ambry Genetics
Classification: Uncertain significance for Inborn genetic diseases. Last evaluated: 2023-05-21. Review status: criteria provided, single submitter. Criteria: Ambry Variant Classification Scheme 2023. Collection method: clinical testing. Allele origin: germline.
Comment: The p.S677F variant (also known as c.2030C>T), located in coding exon 12 of the EPAS1 gene, results from a C to T substitution at nucleotide position 2030. The serine at codon 677 is replaced by phenylalanine, an amino acid with highly dissimilar properties. This amino acid position is conserved. In addition, this alteration is predicted to be tolerated by in silico analysis. Since supporting evidence is limited at this time, the clinical significance of this alteration remains unclear.